The following is an entry in ClinVar:

ClinVar aggregate classification (germline): Uncertain significance. Review status: criteria provided, single submitter (1 of 4 stars). 2 submissions from 2 submitters: Uncertain significance (1). 1 of the submissions does not count toward it. Last evaluated 2024-01-09.

Conditions:
CEP290-related disorder. Also called: CEP290-related disorders; CEP290-related condition. Identifiers: MedGen CN239314.
Leber congenital amaurosis 10 (LCA10). Identifiers: Orphanet 65, MedGen C1857821, MONDO:0012723, OMIM 611755.
Joubert syndrome 5 (JBTS5). Identifiers: Orphanet 2318, MedGen C1857780, MONDO:0012432, OMIM 610188.
Bardet-Biedl syndrome 14 (BBS14). Identifiers: Orphanet 110, MedGen C2673874, MONDO:0014442, OMIM 615991.
Meckel syndrome, type 4 (MKS4). Also called: MECKEL-GRUBER SYNDROME, TYPE 4. Identifiers: Orphanet 564, MedGen C1970161, MONDO:0012626, OMIM 611134.
Senior-Loken syndrome 6 (SLSN6). Identifiers: Orphanet 3156, MedGen C1857779, MONDO:0012433, OMIM 610189.

gnomAD v4.1: 1 of 1,550,870 alleles (0.000064%); highest among the groups gnomAD compares: Non-Finnish European, 0.000087%; no homozygotes.

Submissions (2):

Fulgent Genetics
Classification: Uncertain significance for Joubert syndrome 5; Senior-Loken syndrome 6; Meckel syndrome, type 4; Leber congenital amaurosis 10; Bardet-Biedl syndrome 14. Last evaluated: 2024-01-09. Review status: criteria provided, single submitter. Criteria: ACMG Guidelines, 2015. Collection method: clinical testing. Allele origin: germline.

PreventionGenetics, part of Exact Sciences
Classification: Uncertain significance for CEP290-related condition. Last evaluated: 2023-12-20. Review status: no assertion criteria provided. Collection method: clinical testing. Allele origin: germline. Not counted in ClinVar's aggregate classification.
Comment: The CEP290 c.7095C>A variant is predicted to result in the amino acid substitution p.Asn2365Lys. To our knowledge, this variant has not been reported in the literature or in a large population database, indicating this variant is rare. At this time, the clinical significance of this variant is uncertain due to the absence of conclusive functional and genetic evidence.

NM_025114.4(CEP290):c.7095C>A (p.Asn2365Lys)

Gene: CEP290 (centrosomal protein 290; minus strand). Cytogenetic location: 12q21.32.
Variant type: single nucleotide variant.
Coding change: c.7095C>A on transcript NM_025114.4 (MANE Select); coding-DNA position 7095, C replaced by A.
Protein change: p.Asn2365Lys; replaces asparagine 2365 with lysine.
Molecular consequence: missense variant.
Genome position (GRCh38, 1-based): chr12:88,053,686, G>T on the plus strand (C>A on the coding strand, the complement: CEP290 is on the minus strand). VCF-style: chr12-88053686-G-T. GRCh37 (hg19) VCF-style: chr12-88447463-G-T.
Other names: short protein forms N2365K.
Identifiers: ClinVar variation 3355806 (VCV003355806.2).